The following is an entry in ClinVar:

ClinVar aggregate classification (germline): Conflicting classifications of pathogenicity. Review status: criteria provided, conflicting classifications (1 of 4 stars). 4 submissions from 4 submitters: Uncertain significance (1); Likely benign (2). 1 of the submissions does not count toward it. Last evaluated 2026-01-13.

Conditions:
Propionic acidemia (PROP). Also called: GLYCINEMIA, KETOTIC; HYPERGLYCINEMIA WITH KETOACIDOSIS AND LEUKOPENIA; KETOTIC HYPERGLYCINEMIA. Identifiers: Orphanet 35, MedGen C0268579, MONDO:0011628, OMIM 606054, HP:0003571.

Allele frequency attached by ClinVar (database versions not stated): gnomAD exomes 0.00002; TOPMed 0.00002.
gnomAD v4.1: 30 of 1,614,222 alleles (0.0019%); highest among the groups gnomAD compares: Non-Finnish European, 0.0022%; no homozygotes.

Submissions (4):

Labcorp Genetics (formerly Invitae), Labcorp
Classification: Likely benign for Propionic acidemia. Last evaluated: 2026-01-13. Review status: criteria provided, single submitter. Criteria: Invitae Variant Classification Sherloc (09022015). Collection method: clinical testing. Allele origin: germline.

Illumina Laboratory Services, Illumina
Classification: Uncertain significance for Propionic acidemia. Last evaluated: 2018-01-13. Review status: criteria provided, single submitter. Criteria: ICSL Variant Classification Criteria 13 December 2019. Collection method: clinical testing. Allele origin: germline.

GeneDx
Classification: Likely benign. Last evaluated: 2016-07-09. Review status: criteria provided, single submitter. Criteria: GeneDx Variant Classification (06012015). Collection method: clinical testing. Allele origin: germline. Affected: yes.
Comment: This variant is considered likely benign or benign based on one or more of the following criteria: it is a conservative change, it occurs at a poorly conserved position in the protein, it is predicted to be benign by multiple in silico algorithms, and/or has population frequency not consistent with disease.

Counsyl
Classification: Likely benign for Propionic acidemia. Last evaluated: 2017-07-11. Review status: no assertion criteria provided. Collection method: clinical testing. Allele origin: unknown. Not counted in ClinVar's aggregate classification.

NM_000532.5(PCCB):c.1452A>G (p.Ala484=)

Gene: PCCB (propionyl-CoA carboxylase subunit beta; plus strand). Cytogenetic location: 3q22.3.
Variant type: single nucleotide variant.
Coding change: c.1452A>G on transcript NM_000532.5 (MANE Select); coding-DNA position 1452, A replaced by G.
Protein change: p.Ala484=; no amino-acid change (alanine 484 retained).
Molecular consequence: synonymous variant.
Genome position (GRCh38, 1-based): chr3:136,328,811, A>G. VCF-style: chr3-136328811-A-G. GRCh37 (hg19) VCF-style: chr3-136047653-A-G.
Other names: c.1512A>G, p.Ala504= (NM_001178014.2).
Identifiers: ClinVar variation 343478 (VCV000343478.15), dbSNP rs781556055, ClinGen allele CA2632194.